The following is an entry in ClinVar:

NM_017763.6(RNF43):c.1436T>C (p.Val479Ala)

Gene: RNF43 (ring finger protein 43; minus strand). Cytogenetic location: 17q22.
Variant type: single nucleotide variant.
Coding change: c.1436T>C on transcript NM_017763.6 (MANE Select); coding-DNA position 1436, T replaced by C.
Protein change: p.Val479Ala; replaces valine 479 with alanine.
Molecular consequence: missense variant.
Genome position (GRCh38, 1-based): chr17:58,358,340, A>G on the plus strand (T>C on the coding strand, the complement: RNF43 is on the minus strand). VCF-style: chr17-58358340-A-G. GRCh37 (hg19) VCF-style: chr17-56435701-A-G.
Other names: c.1436T>C, p.Val479Ala (NM_001305544.3); c.1055T>C, p.Val352Ala (NM_001305545.2); short protein forms V352A, V479A.
Identifiers: ClinVar variation 3946822 (VCV003946822.2).
Genomic context (GRCh38, chr17:58,358,340, plus strand): 5'-CTGCAGAAAGTAGAACTGCTGCCATGGACCCCCTGTAGGCTGATGTCCGTGCAGTTGACC[A>G]CAGAGTCACTGGAAGAGCCATGACAGGGCCCTGAGCTGGAGTCACTGGCTGGCCCATCTG-3'
Protein context (NP_060233.3, residues 469-489): GPCHGSSSDS[Val479Ala]VNCTDISLQG

ClinVar aggregate classification (germline): Uncertain significance. Review status: criteria provided, multiple submitters, no conflicts (2 of 4 stars). 2 submissions from 2 submitters: Uncertain significance (2). Last evaluated 2025-12-09.

gnomAD v4.1: 1 of 1,614,174 alleles (0.000062%); highest among the groups gnomAD compares: Non-Finnish European, 0.000085%; no homozygotes.

Submissions (2):

Labcorp Genetics (formerly Invitae), Labcorp
Classification: Uncertain significance. Last evaluated: 2025-12-09. Review status: criteria provided, single submitter. Criteria: Invitae Variant Classification Sherloc (09022015). Collection method: clinical testing. Allele origin: germline.
Comment: This sequence change replaces valine, which is neutral and non-polar, with alanine, which is neutral and non-polar, at codon 479 of the RNF43 protein (p.Val479Ala). This variant is not present in population databases (gnomAD no frequency). This variant has not been reported in the literature in individuals affected with RNF43-related conditions. ClinVar contains an entry for this variant (Variation ID: 3946822). An algorithm developed to predict the effect of missense changes on protein structure and function (PolyPhen-2) suggests that this variant is likely to be tolerated. In summary, the available evidence is currently insufficient to determine the role of this variant in disease. Therefore, it has been classified as a Variant of Uncertain Significance.

Ambry Genetics
Classification: Uncertain significance. Last evaluated: 2025-03-19. Review status: criteria provided, single submitter. Criteria: Ambry Variant Classification Scheme 2023. Collection method: clinical testing. Allele origin: germline.
Comment: The p.V479A variant (also known as c.1436T>C), located in coding exon 8 of the RNF43 gene, results from a T to C substitution at nucleotide position 1436. The valine at codon 479 is replaced by alanine, an amino acid with similar properties. This amino acid position is conserved. In addition, this alteration is predicted to be tolerated by in silico analysis. Based on the available evidence, the clinical significance of this variant remains unclear.